The following is an entry in ClinVar:

ClinVar aggregate classification (germline): Uncertain significance (1 of 4 stars; one submission).

Submission:

Labcorp Genetics (formerly Invitae), Labcorp
Classification: Uncertain significance. Last evaluated: 2022-10-05. Review status: criteria provided, single submitter. Criteria: Invitae Variant Classification Sherloc (09022015). Collection method: clinical testing. Allele origin: germline.
Comment: This variant results in a copy number gain of the genomic region encompassing exon(s) 1-39 of the PCNT gene. This region includes the initiator codon of the gene. This copy number gain extends beyond the assayed region for this gene and therefore may encompass additional genes. As the precise location of this event is unknown, it may be in tandem or it may be located elsewhere in the genome. This variant has not been reported in the literature in individuals affected with PCNT-related conditions. Experimental studies and prediction algorithms are not available or were not evaluated, and the functional significance of this variant is currently unknown. In summary, the available evidence is currently insufficient to determine the role of this variant in disease. Therefore, it has been classified as a Variant of Uncertain Significance.

NC_000021.8:g.(?_47690295)_(47856081_?)dup

Genes: C21orf58 (chromosome 21 open reading frame 58; minus strand), MCM3AP (minichromosome maintenance complex component 3 associated protein; minus strand), PCNT (pericentrin; plus strand), YBEY (ybeY metalloendoribonuclease; plus strand). Cytogenetic location: 21q22.3.
Variant type: Duplication.
Identifiers: ClinVar variation 1411450 (VCV001411450.4).